The following is an entry in ClinVar:

NC_000017.11:g.4903169G>A

Genes: C17orf107 (chromosome 17 open reading frame 107; plus strand), CHRNE (cholinergic receptor nicotinic epsilon subunit; minus strand). Cytogenetic location: 17p13.2.
Variant type: single nucleotide variant.
Genome position: GRCh38 VCF-style: chr17-4903169-G-A. GRCh37 (hg19) VCF-style: chr17-4806464-G-A.
Identifiers: ClinVar variation 4985517 (VCV004985517.1).
Genomic context (GRCh38, chr17:4,903,169, plus strand): 5'-GAGGGGGCATGCCAGGGTGCCTGTGTGAGGGGGAGGAGGGTGTTAGTTCCGGGCTGTTAG[G>A]GGACTGTCACCTAATCCTCTGCTCACCCCTGCTGCAGCTGGGGACATTTTGGCTGCTTCC-3'

ClinVar aggregate classification (germline): Likely benign (1 of 4 stars; one submission).

Conditions:
CHRNE-related disorder. Also called: CHRNE-related condition.

gnomAD v4.1: 122 of 1,156,612 alleles (0.011%); highest among the groups gnomAD compares: South Asian, 0.069%; 1 homozygote.

Submission:

PreventionGenetics, part of Exact Sciences
Classification: Likely benign for CHRNE-related condition. Last evaluated: 2026-07-30. Review status: criteria provided, single submitter. Criteria: ACMG Guidelines, 2015. Collection method: clinical testing. Allele origin: germline.
Comment: This variant is classified as likely benign based on ACMG/AMP sequence variant interpretation guidelines (Richards et al. 2015 PMID: 25741868, with internal and published modifications).